The following is an entry in ClinVar:

ClinVar aggregate classification (germline): Likely benign. Review status: criteria provided, multiple submitters, no conflicts (2 of 4 stars). 2 submissions from 2 submitters: Likely benign (2). Last evaluated 2025-04-23.

Conditions:
PEX1-related disorder. Also called: PEX1-related condition.
Zellweger spectrum disorders (ZS). Also called: Zellweger syndrome; Zellweger Spectrum Disorder; Zellweger Spectrum; Zellweger Spectrum Disorder (ZSD). Identifiers: Orphanet 912, MedGen C0043459, MONDO:0019609.

Allele frequency attached by ClinVar (database versions not stated): ExAC 0.00001; gnomAD 0.00001; gnomAD exomes 0.00001 and 0.00003; TOPMed 0.00001.

Submissions (2):

PreventionGenetics, part of Exact Sciences
Classification: Likely benign for PEX1-related condition. Last evaluated: 2025-04-23. Review status: criteria provided, single submitter. Criteria: ACMG Guidelines, 2015. Collection method: clinical testing. Allele origin: germline.
Comment: This variant is classified as likely benign based on ACMG/AMP sequence variant interpretation guidelines (Richards et al. 2015 PMID: 25741868, with internal and published modifications).

Labcorp Genetics (formerly Invitae), Labcorp
Classification: Likely benign for Zellweger spectrum disorders. Last evaluated: 2024-03-05. Review status: criteria provided, single submitter. Criteria: Invitae Variant Classification Sherloc (09022015). Collection method: clinical testing. Allele origin: germline.

NM_000466.3(PEX1):c.2416+10A>G

Gene: PEX1 (peroxisomal biogenesis factor 1; minus strand). Cytogenetic location: 7q21.2.
Variant type: single nucleotide variant.
Coding change: c.2416+10A>G on transcript NM_000466.3 (MANE Select); 10 bases into the intron after coding-DNA position 2416, A replaced by G.
Molecular consequence: intron variant.
Genome position (GRCh38, 1-based): chr7:92,501,880, T>C on the plus strand (A>G on the coding strand, the complement: PEX1 is on the minus strand). VCF-style: chr7-92501880-T-C. GRCh37 (hg19) VCF-style: chr7-92131194-T-C.
Other names: c.2416+10A>G (NM_000466.2); c.2245+10A>G (NM_001282677.2); c.1792+10A>G (NM_001282678.2).
Identifiers: ClinVar variation 1126614 (VCV001126614.10), dbSNP rs762189230, ClinGen allele CA4341135.